The following is an entry in ClinVar:

NM_032608.7(MYO18B):c.4383G>A (p.Glu1461=)

Genes: MYO18B (myosin XVIIIB; plus strand), MYO18B-AS1 (MYO18B antisense RNA 1; minus strand). Cytogenetic location: 22q12.1.
Variant type: single nucleotide variant.
Coding change: c.4383G>A on transcript NM_032608.7 (MANE Select); coding-DNA position 4383, G replaced by A.
Protein change: p.Glu1461=; no amino-acid change (glutamic acid 1461 retained).
Molecular consequence: synonymous variant.
Genome position (GRCh38, 1-based): chr22:25,890,824, G>A. VCF-style: chr22-25890824-G-A. GRCh37 (hg19) VCF-style: chr22-26286791-G-A.
Other names: c.4386G>A, p.Glu1462= (NM_001318245.2).
Identifiers: ClinVar variation 1532141 (VCV001532141.15), dbSNP rs200680930, ClinGen allele CA10160864.
Genomic context (GRCh38, chr22:25,890,824, plus strand): 5'-CTTGACCTCTGACCTTGCCGATGAGCGCTTCAAAGGTGATGTGGCCTGCCAGGTGCTGGA[G>A]AGTGAGCGGGCAGAGCGGCTACAGGCCTTCCGGGAGGTCCAGGAGCTCAAGGTGAGTGGT-3'
Protein context (NP_115997.5, residues 1451-1471): FKGDVACQVL[Glu1461=]SERAERLQAF

ClinVar aggregate classification (germline): Benign/Likely benign. Review status: criteria provided, multiple submitters, no conflicts (2 of 4 stars). 2 submissions from 2 submitters: Benign (1); Likely benign (1). Last evaluated 2026-01-12.

Allele frequency attached by ClinVar (database versions not stated): TOPMed 0.00010; ESP Exome Variant Server 0.00016; gnomAD exomes 0.00084 and 0.00200; 1000 Genomes Project 30x 0.00094; 1000 Genomes Project 0.00120; gnomAD 0.00165 and 0.00172; ExAC 0.00167.
gnomAD v4.1: 1,472 of 1,613,998 alleles (0.091%); highest among the groups gnomAD compares: Non-Finnish European, 0.012%; 12 homozygotes.

Submissions (2):

Labcorp Genetics (formerly Invitae), Labcorp
Classification: Benign. Last evaluated: 2026-01-12. Review status: criteria provided, single submitter. Criteria: Invitae Variant Classification Sherloc (09022015). Collection method: clinical testing. Allele origin: germline.

CeGaT Center for Human Genetics Tuebingen
Classification: Likely benign. Last evaluated: 2025-04-01. Review status: criteria provided, single submitter. Criteria: CeGaT Center For Human Genetics Tuebingen Variant Classification Criteria Version 2. Collection method: clinical testing. Allele origin: germline. Affected: yes. Observed: 1 variant allele.
Comment: MYO18B: BP4, BP7